The following is an entry in ClinVar:

NM_001330691.3(CEP78):c.1098T>G (p.Ser366Arg)

Gene: CEP78 (centrosomal protein 78; plus strand). Cytogenetic location: 9q21.2.
Variant type: single nucleotide variant.
Coding change: c.1098T>G on transcript NM_001330691.3 (MANE Select); coding-DNA position 1098, T replaced by G.
Protein change: p.Ser366Arg; replaces serine 366 with arginine.
Molecular consequence: missense variant.
Genome position (GRCh38, 1-based): chr9:78,251,936, T>G. VCF-style: chr9-78251936-T-G. GRCh37 (hg19) VCF-style: chr9-80866852-T-G.
Other names: c.1101T>G, p.Ser367Arg (NM_001098802.3, NM_001349839.2, NM_001349840.2 and 1 more transcripts); c.1098T>G, p.Ser366Arg (NM_001330693.3, NM_001330694.2, NM_001349838.2); short protein forms S367R, S366R.
Identifiers: ClinVar variation 2069288 (VCV002069288.2), dbSNP rs757804379, ClinGen allele CA5095144.

ClinVar aggregate classification (germline): Uncertain significance (1 of 4 stars; one submission).

Allele frequency attached by ClinVar (database versions not stated): ExAC 0.00001; gnomAD exomes 0.00001; gnomAD 0.00002; TOPMed 0.00004.
gnomAD v4.1: 11 of 1,608,298 alleles (0.00068%); highest among the groups gnomAD compares: Non-Finnish European, 0.00094%; no homozygotes.

Submission:

Labcorp Genetics (formerly Invitae), Labcorp
Classification: Uncertain significance. Last evaluated: 2022-05-14. Review status: criteria provided, single submitter. Criteria: Invitae Variant Classification Sherloc (09022015). Collection method: clinical testing. Allele origin: germline.
Comment: This sequence change replaces serine, which is neutral and polar, with arginine, which is basic and polar, at codon 367 of the CEP78 protein (p.Ser367Arg). This variant is present in population databases (rs757804379, gnomAD 0.002%). This variant has not been reported in the literature in individuals affected with CEP78-related conditions. Algorithms developed to predict the effect of missense changes on protein structure and function (SIFT, PolyPhen-2, Align-GVGD) all suggest that this variant is likely to be tolerated. In summary, the available evidence is currently insufficient to determine the role of this variant in disease. Therefore, it has been classified as a Variant of Uncertain Significance.